The following is an entry in ClinVar:

ClinVar aggregate classification (germline): Uncertain significance (1 of 4 stars; one submission).

Submission:

Labcorp Genetics (formerly Invitae), Labcorp
Classification: Uncertain significance. Last evaluated: 2023-07-21. Review status: criteria provided, single submitter. Criteria: Invitae Variant Classification Sherloc (09022015). Collection method: clinical testing. Allele origin: germline.
Comment: This sequence change creates a premature translational stop signal (p.Arg109Alafs*5) in the IRF2BP2 gene. It is expected to result in an absent or disrupted protein product. However, the current clinical and genetic evidence is not sufficient to establish whether loss-of-function variants in IRF2BP2 cause disease. This variant is not present in population databases (gnomAD no frequency). This variant has not been reported in the literature in individuals affected with IRF2BP2-related conditions. In summary, the available evidence is currently insufficient to determine the role of this variant in disease. Therefore, it has been classified as a Variant of Uncertain Significance.

NM_182972.3(IRF2BP2):c.324_379del (p.Arg109fs)

Genes: IRF2BP2 (interferon regulatory factor 2 binding protein 2; minus strand), LOC129932812 (ATAC-STARR-seq lymphoblastoid silent region 1977; plus strand). Cytogenetic location: 1q42.3.
Variant type: Deletion.
Coding change: c.324_379del on transcript NM_182972.3 (MANE Select); coding-DNA positions 324 to 379, 56 bases deleted.
Protein change: p.Arg109fs; shifts the reading frame from arginine 109.
Molecular consequence: frameshift variant.
Genome position (GRCh38, 1-based): chr1:234,609,116-234,609,171, 56 bases deleted. GRCh37 (hg19): chr1:234,744,868-234,744,923.
Other names: c.324_379del, p.Arg109fs (NM_001077397.1); short protein forms R109fs.
Identifiers: ClinVar variation 2745650 (VCV002745650.3), dbSNP rs2528522266, ClinGen allele CA2697554981.